The following is an entry in ClinVar:

NM_001291415.2(KDM6A):c.28_39dup (p.Thr10_Ala13dup)

Gene: KDM6A (lysine demethylase 6A; plus strand). Cytogenetic location: Xp11.3.
Variant type: Duplication.
Coding change: c.28_39dup on transcript NM_001291415.2 (MANE Select); coding-DNA positions 28 to 39, 12 bases duplicated (ACCGCCGCCGCT).
Protein change: p.Thr10_Ala13dup.
Molecular consequence: inframe insertion. On other transcripts: 5 prime UTR variant (1), non-coding transcript variant (1).
Genome position (GRCh38, 1-based): chrX:44,873,579-44,873,590, ACCGCCGCCGCT duplicated; duplicating any 12 consecutive bases within chrX:44,873,575-44,873,590 gives the same sequence; the c. name uses the placement nearest the transcript's 3' end. VCF-style (leftmost placement, unchanged base first): chrX-44873574-T-TCGCTACCGCCGC. GRCh37 (hg19) VCF-style: chrX-44732820-T-TCGCTACCGCCGC.
Other names: c.28_39dup12 (NM_021140.3); c.28_39dup (NM_021140.2); c.28_39dup, p.Thr10_Ala13dup (NM_001291416.2, NM_001291417.2, NM_001291418.2 and 1 more transcripts); c.-605_-594dup (NM_001291421.2); c.28_39dupACCGCCGCCGCT (NM_021140.2).
Identifiers: ClinVar variation 1383579 (VCV001383579.10), dbSNP rs769370817, ClinGen allele CA641679642.
Genomic context (GRCh38, chrX:44,873,574, plus strand): 5'-GGGTGTCGGCGTTGGAGTTGTGAATTCGCTGCGTTTCCATGAAATCCTGCGGAGTGTCGC[T>TCGCTACCGCCGC]CGCTACCGCCGCCGCTGCCGCCGCCGCTTTCGGTGATGAGGAAAAGAAAATGGCGGCGGG-3'

ClinVar aggregate classification (germline): Uncertain significance. Review status: criteria provided, multiple submitters, no conflicts (2 of 4 stars). 4 submissions from 4 submitters: Uncertain significance (4). Last evaluated 2025-03-27.

Conditions:
KDM6A-related disorder. Also called: KDM6A-related condition.
Inborn genetic diseases. Identifiers: MedGen C0950123, MeSH D030342.
Kabuki syndrome 2 (KABUK2). Also called: KDM6A-Related Kabuki Syndrome. Identifiers: Orphanet 2322, MedGen C3275495, MONDO:0010465, OMIM 300867.

Submissions (4):

Labcorp Genetics (formerly Invitae), Labcorp
Classification: Uncertain significance for Kabuki syndrome 2. Last evaluated: 2025-03-27. Review status: criteria provided, single submitter. Criteria: Invitae Variant Classification Sherloc (09022015). Collection method: clinical testing. Allele origin: germline.
Comment: This variant, c.28_39dup, results in the insertion of 4 amino acid(s) of the KDM6A protein (p.Thr10_Ala13dup), but otherwise preserves the integrity of the reading frame. This variant is present in population databases (no rsID available, gnomAD 0.007%). This variant has not been reported in the literature in individuals affected with KDM6A-related conditions. ClinVar contains an entry for this variant (Variation ID: 1383579). Experimental studies and prediction algorithms are not available or were not evaluated, and the functional significance of this variant is currently unknown. In summary, the available evidence is currently insufficient to determine the role of this variant in disease. Therefore, it has been classified as a Variant of Uncertain Significance.

Ambry Genetics
Classification: Uncertain significance for Inborn genetic diseases. Last evaluated: 2023-12-20. Review status: criteria provided, single submitter. Criteria: Ambry Variant Classification Scheme 2023. Collection method: clinical testing. Allele origin: germline.
Comment: The c.28_39dupACCGCCGCCGCT (p.T10_A13dup) alteration is located in exon 1 (coding exon 1) of the KDM6A gene. The alteration consists of an in-frame duplication of 12 nucleotides from position 28 to 39, resulting in the duplication of <NA> residues. Based on insufficient or conflicting evidence, the clinical significance of this alteration remains unclear.

GeneDx
Classification: Uncertain significance. Last evaluated: 2023-05-31. Review status: criteria provided, single submitter. Criteria: GeneDx Variant Classification Process June 2021. Collection method: clinical testing. Allele origin: germline. Affected: yes.
Comment: In-frame duplication of 4 amino acids in a non-repeat region; Has not been previously published as pathogenic or benign to our knowledge

PreventionGenetics, part of Exact Sciences
Classification: Uncertain significance for KDM6A-related condition. Last evaluated: 2022-10-25. Review status: criteria provided, single submitter. Criteria: ACMG Guidelines, 2015. Collection method: clinical testing. Allele origin: germline.
Comment: The KDM6A c.28_39dup12 variant is predicted to result in an in-frame duplication (p.Thr10 Ala13dup). To our knowledge, this variant has not been reported in the literature. This variant is reported in 0.0068% of alleles in individuals of European (Finnish) descent in gnomAD. At this time, the clinical significance of this variant is uncertain due to the absence of conclusive functional and genetic evidence.